The following is an entry in ClinVar:

NM_001111.5(ADAR):c.624C>T (p.Ser208=)

Gene: ADAR (adenosine deaminase RNA specific; minus strand). Cytogenetic location: 1q21.3.
Variant type: single nucleotide variant.
Coding change: c.624C>T on transcript NM_001111.5 (MANE Select); coding-DNA position 624, C replaced by T.
Protein change: p.Ser208=; no amino-acid change (serine 208 retained).
Molecular consequence: synonymous variant. On other transcripts: 5 prime UTR variant (6).
Genome position (GRCh38, 1-based): chr1:154,602,018, G>A on the plus strand (C>T on the coding strand, the complement: ADAR is on the minus strand). VCF-style: chr1-154602018-G-A. GRCh37 (hg19) VCF-style: chr1-154574494-G-A.
Other names: c.-262C>T (NM_001025107.3, NM_001193495.2, NM_001365046.1 and 3 more transcripts); c.651C>T, p.Ser217= (NM_001365045.1); c.624C>T, p.Ser208= (NM_015840.4, NM_015841.4).
Identifiers: ClinVar variation 704119 (VCV000704119.26), dbSNP rs755808579, ClinGen allele CA1131668.

ClinVar aggregate classification (germline): Likely benign. Review status: criteria provided, multiple submitters, no conflicts (2 of 4 stars). 2 submissions from 2 submitters: Likely benign (2). Last evaluated 2026-01-05.

Conditions:
Aicardi-Goutieres syndrome 6 (AGS6). Identifiers: Orphanet 51, MedGen C3539013, MONDO:0014007, OMIM 615010.
Symmetrical dyschromatosis of extremities (DSH). Also called: DYSCHROMATOSIS SYMMETRICA HEREDITARIA 1; RETICULATE ACROPIGMENTATION OF DOHI; SYMMETRIC DYSCHROMATOSIS OF THE EXTREMITIES; Dyschromatosis symmetrica hereditaria. Identifiers: Orphanet 41, MedGen C0406775, MONDO:0007483, OMIM 127400.

Allele frequency attached by ClinVar (database versions not stated): gnomAD 0.00002; ExAC 0.00003; gnomAD exomes 0.00003 and 0.00007; TOPMed 0.00003.
gnomAD v4.1: 104 of 1,614,112 alleles (0.0064%); highest among the groups gnomAD compares: Admixed American, 0.0083%; no homozygotes.

Submissions (2):

Labcorp Genetics (formerly Invitae), Labcorp
Classification: Likely benign for Aicardi-Goutieres syndrome 6; Symmetrical dyschromatosis of extremities. Last evaluated: 2026-01-05. Review status: criteria provided, single submitter. Criteria: Invitae Variant Classification Sherloc (09022015). Collection method: clinical testing. Allele origin: germline.

CeGaT Center for Human Genetics Tuebingen
Classification: Likely benign. Last evaluated: 2024-09-01. Review status: criteria provided, single submitter. Criteria: CeGaT Center For Human Genetics Tuebingen Variant Classification Criteria Version 2. Collection method: clinical testing. Allele origin: germline. Affected: yes. Observed: 2 variant alleles.
Comment: ADAR: BP4, BP7